The following is an entry in ClinVar:

NM_032043.3(BRIP1):c.743T>A (p.Phe248Tyr)

Gene: BRIP1 (BRCA1 interacting DNA helicase 1; minus strand). Cytogenetic location: 17q23.2.
Variant type: single nucleotide variant.
Coding change: c.743T>A on transcript NM_032043.3 (MANE Select); coding-DNA position 743, T replaced by A.
Protein change: p.Phe248Tyr; replaces phenylalanine 248 with tyrosine.
Molecular consequence: missense variant.
Genome position (GRCh38, 1-based): chr17:61,808,642, A>T on the plus strand (T>A on the coding strand, the complement: BRIP1 is on the minus strand). VCF-style: chr17-61808642-A-T. GRCh37 (hg19) VCF-style: chr17-59886003-A-T.
Other names: short protein forms F248Y.
Identifiers: ClinVar variation 1758927 (VCV001758927.2), dbSNP rs2078112912, ClinGen allele CA400485005.

ClinVar aggregate classification (germline): Uncertain significance (1 of 4 stars; one submission).

Conditions:
Hereditary cancer-predisposing syndrome. Also called: Neoplastic Syndromes, Hereditary; Tumor predisposition; Hereditary Cancer Syndrome; Hereditary neoplastic syndrome. Identifiers: Orphanet 140162, MedGen C0027672, MeSH D009386, MONDO:0015356.

Submission:

Ambry Genetics
Classification: Uncertain significance for Hereditary cancer-predisposing syndrome. Last evaluated: 2022-02-16. Review status: criteria provided, single submitter. Criteria: Ambry Variant Classification Scheme 2023. Collection method: clinical testing. Allele origin: germline.
Comment: The p.F248Y variant (also known as c.743T>A), located in coding exon 6 of the BRIP1 gene, results from a T to A substitution at nucleotide position 743. The phenylalanine at codon 248 is replaced by tyrosine, an amino acid with highly similar properties. This amino acid position is conserved. In addition, this alteration is predicted to be tolerated by in silico analysis. Since supporting evidence is limited at this time, the clinical significance of this alteration remains unclear.